The following is an entry in ClinVar:

NM_005670.4(EPM2A):c.37G>A (p.Val13Met)

Genes: EPM2A (EPM2A glucan phosphatase, laforin; minus strand), EPM2A-DT (EPM2A divergent transcript; plus strand), LOC129997381 (ATAC-STARR-seq lymphoblastoid silent region 17642; plus strand). Cytogenetic location: 6q24.3.
Variant type: single nucleotide variant.
Coding change: c.37G>A on transcript NM_005670.4 (MANE Select); coding-DNA position 37, G replaced by A.
Protein change: p.Val13Met; replaces valine 13 with methionine.
Molecular consequence: missense variant. On other transcripts: 5 prime UTR variant (3), intron variant (1).
Genome position (GRCh38, 1-based): chr6:145,735,462, C>T on the plus strand (G>A on the coding strand, the complement: EPM2A is on the minus strand). VCF-style: chr6-145735462-C-T. GRCh37 (hg19) VCF-style: chr6-146056598-C-T.
Other names: c.37G>A, p.Val13Met (NM_001018041.2, NM_001360057.2, NM_001368130.1); c.-633G>A (NM_001360071.2); c.-587G>A (NM_001368129.2); c.-331G>A (NM_001368131.1); c.-114+446G>A (NM_001360064.2); short protein forms V13M.
Identifiers: ClinVar variation 1057730 (VCV001057730.6), dbSNP rs567454946, ClinGen allele CA149194988.
Genomic context (GRCh38, chr6:145,735,462, plus strand): 5'-CCCAACGCCCCAGCTCGGGCCGCGACCCCACCACCAGCAGCTCCGGCCGGGCGCCGGCCA[C>T]GGCGGGTGGCACCACCACCCCAAAGCGGAAGCGCATGGCGGGCGGCGGCGGCGCGAATAC-3'
Protein context (NP_005661.1, residues 3-23): FRFGVVVPPA[Val13Met]AGARPELLVV

ClinVar aggregate classification (germline): Uncertain significance (1 of 4 stars; one submission).

Conditions:
Progressive myoclonic epilepsy. Also called: Familial progressive myoclonic epilepsy; Myoclonus epilepsy; Progressive myoclonus epilepsy; Myoclonic Epilepsies, Progressive. Identifiers: Orphanet 308, Orphanet 98261, MedGen C0751778, MONDO:0020074.

Allele frequency attached by ClinVar (database versions not stated): 1000 Genomes Project 30x 0.00016; 1000 Genomes Project 0.00020.

Submission:

Labcorp Genetics (formerly Invitae), Labcorp
Classification: Uncertain significance for Progressive myoclonic epilepsy. Last evaluated: 2022-08-06. Review status: criteria provided, single submitter. Criteria: Invitae Variant Classification Sherloc (09022015). Collection method: clinical testing. Allele origin: germline.
Comment: This sequence change replaces valine, which is neutral and non-polar, with methionine, which is neutral and non-polar, at codon 13 of the EPM2A protein (p.Val13Met). This variant is not present in population databases (gnomAD no frequency). This variant has not been reported in the literature in individuals affected with EPM2A-related conditions. ClinVar contains an entry for this variant (Variation ID: 1057730). Algorithms developed to predict the effect of missense changes on protein structure and function are either unavailable or do not agree on the potential impact of this missense change (SIFT: "Tolerated"; PolyPhen-2: "Not Available"; Align-GVGD: "Class C0"). In summary, the available evidence is currently insufficient to determine the role of this variant in disease. Therefore, it has been classified as a Variant of Uncertain Significance.